The following is an entry in ClinVar:

NM_174941.6(CD163L1):c.3282G>A (p.Gly1094=)

Gene: CD163L1 (CD163 molecule like 1; minus strand). Cytogenetic location: 12p13.31.
Variant type: single nucleotide variant.
Coding change: c.3282G>A on transcript NM_174941.6 (MANE Select); coding-DNA position 3282, G replaced by A.
Protein change: p.Gly1094=; no amino-acid change (glycine 1094 retained).
Molecular consequence: synonymous variant.
Genome position (GRCh38, 1-based): chr12:7,374,569, C>T on the plus strand (G>A on the coding strand, the complement: CD163L1 is on the minus strand). VCF-style: chr12-7374569-C-T. GRCh37 (hg19) VCF-style: chr12-7527165-C-T.
Other names: c.3312G>A, p.Gly1104= (NM_001297650.2).
Identifiers: ClinVar variation 2642674 (VCV002642674.24), dbSNP rs759325027, ClinGen allele CA478207480.

ClinVar aggregate classification (germline): Likely benign (1 of 4 stars; one submission).

gnomAD v4.1: 2 of 1,614,202 alleles (0.00012%); highest among the groups gnomAD compares: South Asian, 0.0011%; no homozygotes.

Submission:

CeGaT Center for Human Genetics Tuebingen
Classification: Likely benign. Last evaluated: 2026-05-01. Review status: criteria provided, single submitter. Criteria: CeGaT Center For Human Genetics Tuebingen Variant Classification Criteria Version 2. Collection method: clinical testing. Allele origin: germline. Affected: yes. Observed: 3 variant alleles.
Comment: CD163L1: BP4, BP7